The following is an entry in ClinVar:

NM_000760.4(CSF3R):c.1912_1914dup (p.Leu639_Thr640insLeu)

Gene: CSF3R (colony stimulating factor 3 receptor; minus strand). Cytogenetic location: 1p34.3.
Variant type: Duplication.
Coding change: c.1912_1914dup on transcript NM_000760.4 (MANE Select); coding-DNA positions 1912 to 1914, 3 bases duplicated (TTG; older notation c.1912_1914dupTTG).
Protein change: p.Leu639_Thr640insLeu.
Molecular consequence: inframe insertion.
Genome position (GRCh38, 1-based): chr1:36,467,602-36,467,604, CAA duplicated on the plus strand (TTG on the coding strand, the reverse complement: CSF3R is on the minus strand); duplicating any 3 consecutive bases within chr1:36,467,602-36,467,606 gives the same sequence; the c. name uses the placement nearest the transcript's 3' end. VCF-style (leftmost placement, unchanged base first): chr1-36467601-G-GCAA. GRCh37 (hg19) VCF-style: chr1-36933202-G-GCAA.
Other names: c.1912_1914dup, p.Leu639_Thr640insLeu (NM_156039.3, NM_172313.3).
Identifiers: ClinVar variation 2091365 (VCV002091365.4), dbSNP rs2521733588, ClinGen allele CA2580062697.

ClinVar aggregate classification (germline): Uncertain significance (1 of 4 stars; one submission).

Conditions:
Autosomal recessive severe congenital neutropenia due to CSF3R deficiency. Also called: Neutropenia, severe congenital, 7, autosomal recessive. Identifiers: Orphanet 420702, MedGen C4310764, MONDO:0014865, OMIM 617014.

Submission:

Labcorp Genetics (formerly Invitae), Labcorp
Classification: Uncertain significance for Autosomal recessive severe congenital neutropenia due to CSF3R deficiency. Last evaluated: 2024-10-26. Review status: criteria provided, single submitter. Criteria: Invitae Variant Classification Sherloc (09022015). Collection method: clinical testing. Allele origin: germline.
Comment: This variant, c.1912_1914dup, results in the insertion of 1 amino acid(s) of the CSF3R protein (p.Leu639dup), but otherwise preserves the integrity of the reading frame. This variant is not present in population databases (gnomAD no frequency). This variant has not been reported in the literature in individuals affected with CSF3R-related conditions. ClinVar contains an entry for this variant (Variation ID: 2091365). Experimental studies and prediction algorithms are not available or were not evaluated, and the functional significance of this variant is currently unknown. In summary, the available evidence is currently insufficient to determine the role of this variant in disease. Therefore, it has been classified as a Variant of Uncertain Significance.